The following is an entry in ClinVar:

ClinVar aggregate classification (germline): Uncertain significance (1 of 4 stars; one submission).

gnomAD v4.1: 1 of 1,590,562 alleles (0.000063%); highest among the groups gnomAD compares: Non-Finnish European, 0.000085%; no homozygotes.

Submission:

Labcorp Genetics (formerly Invitae), Labcorp
Classification: Uncertain significance. Last evaluated: 2025-09-22. Review status: criteria provided, single submitter. Criteria: Invitae Variant Classification Sherloc (09022015). Collection method: clinical testing. Allele origin: germline.
Comment: This sequence change replaces serine, which is neutral and polar, with tryptophan, which is neutral and slightly polar, at codon 122 of the TIMM50 protein (p.Ser122Trp). This variant is present in population databases (rs773052694, gnomAD 0.001%). This variant has not been reported in the literature in individuals affected with TIMM50-related conditions. An algorithm developed to predict the effect of missense changes on protein structure and function (PolyPhen-2) suggests that this variant is likely to be disruptive. In summary, the available evidence is currently insufficient to determine the role of this variant in disease. Therefore, it has been classified as a Variant of Uncertain Significance.

NM_001001563.5(TIMM50):c.56C>G (p.Ser19Trp)

Gene: TIMM50 (translocase of inner mitochondrial membrane 50; plus strand). Cytogenetic location: 19q13.2.
Variant type: single nucleotide variant.
Coding change: c.56C>G on transcript NM_001001563.5 (MANE Select); coding-DNA position 56, C replaced by G.
Protein change: p.Ser19Trp; replaces serine 19 with tryptophan.
Molecular consequence: missense variant. On other transcripts: 5 prime UTR variant (1).
Genome position (GRCh38, 1-based): chr19:39,480,909, C>G. VCF-style: chr19-39480909-C-G. GRCh37 (hg19) VCF-style: chr19-39971549-C-G.
Other names: c.-225C>G (NM_001329559.2); short protein forms S19W.
Identifiers: ClinVar variation 4708652 (VCV004708652.1).